The following is an entry in ClinVar:

ClinVar aggregate classification (germline): Conflicting classifications of pathogenicity. Review status: criteria provided, conflicting classifications (1 of 4 stars). 10 submissions from 10 submitters: Uncertain significance (1); Benign (2); Likely benign (6). 1 of the submissions does not count toward it. Last evaluated 2026-09-01.

Conditions:
HBB-related disorder. Also called: HBB-related disorders; HBB-related condition. Identifiers: MedGen CN239378.
beta Thalassemia (BTHAL). Also called: Cooley's anemia; Erythroblastic anemia; Mediterranean anemia. Identifiers: Orphanet 848, MedGen C0005283, MONDO:0019402. Disease mechanism: loss of function.

Allele frequency attached by ClinVar (database versions not stated): 1000 Genomes Project 0.00020; 1000 Genomes Project 30x 0.00016; TOPMed 0.00233; gnomAD 0.00271 and 0.00283; gnomAD exomes 0.00409.
gnomAD v4.1: 4,320 of 1,123,116 alleles (0.38%); highest among the groups gnomAD compares: Non-Finnish European, 0.54%; 18 homozygotes.

Submissions (10):

CeGaT Center for Human Genetics Tuebingen
Classification: Likely benign. Last evaluated: 2026-09-01. Review status: criteria provided, single submitter. Criteria: CeGaT Center For Human Genetics Tuebingen Variant Classification Criteria Version 2. Collection method: clinical testing. Allele origin: germline. Affected: yes. Observed: 4 variant alleles.
Comment: HBB: BS2

Labcorp Genetics (formerly Invitae), Labcorp
Classification: Likely benign. Last evaluated: 2026-02-04. Review status: criteria provided, single submitter. Criteria: Invitae Variant Classification Sherloc (09022015). Collection method: clinical testing. Allele origin: germline.

ARUP Laboratories, Molecular Genetics and Genomics, ARUP Laboratories
Classification: Benign. Last evaluated: 2025-07-28. Review status: criteria provided, single submitter. Criteria: ARUP Molecular Germline Variant Investigation Process 2024. Collection method: clinical testing. Allele origin: germline.

Blueprint Genetics
Classification: Likely benign. Last evaluated: 2024-11-26. Review status: criteria provided, single submitter. Criteria: ACMG Guidelines, 2015. Collection method: clinical testing. Allele origin: germline.

Quest Diagnostics Nichols Institute San Juan Capistrano
Classification: Likely benign. Last evaluated: 2022-06-10. Review status: criteria provided, single submitter. Criteria: Quest Diagnostics criteria. Collection method: clinical testing. Allele origin: unknown.

Mendelics
Classification: Benign for Beta-thalassemia HBB/LCRB. Last evaluated: 2019-05-28. Review status: criteria provided, single submitter. Criteria: Mendelics Assertion Criteria 2017. Collection method: clinical testing. Allele origin: unknown.

GeneDx
Classification: Likely benign. Last evaluated: 2019-04-04. Review status: criteria provided, single submitter. Criteria: GeneDx Variant Classification Process June 2021. Collection method: clinical testing. Allele origin: germline. Affected: yes.
Comment: See Variant Classification Assertion Criteria.

Illumina Laboratory Services, Illumina
Classification: Uncertain significance for Beta-thalassemia HBB/LCRB. Last evaluated: 2017-04-27. Review status: criteria provided, single submitter. Criteria: ICSL Variant Classification Criteria 13 December 2019. Collection method: clinical testing. Allele origin: germline.
Comment: This variant was observed as part of a predisposition screen in an ostensibly healthy population. A literature search was performed for the gene, cDNA change, and amino acid change (where applicable). Publications were found based on this search. However, the evidence from the literature, in combination with allele frequency data from public databases where available, was not sufficient to rule this variant in or out of causing disease. Therefore, this variant is classified as a variant of unknown significance.

Women's Health and Genetics/Laboratory Corporation of America, LabCorp
Classification: Likely benign for Beta Thalassemia. Last evaluated: 2011-08-18. Review status: criteria provided, single submitter. Criteria: LabCorp Variant Classification Summary - May 2015. Collection method: clinical testing. Allele origin: germline. Inheritance: autosomal unknown.
ClinVar note: Converted during submission from likely benign to Likely benign.

PreventionGenetics, part of Exact Sciences
Classification: Likely benign for HBB-related condition. Last evaluated: 2020-02-28. Review status: no assertion criteria provided. Collection method: clinical testing. Allele origin: germline. Not counted in ClinVar's aggregate classification.
Comment: This variant is classified as likely benign based on ACMG/AMP sequence variant interpretation guidelines (Richards et al. 2015 PMID: 25741868, with internal and published modifications).

Literature cited by the submitters: PubMed 24744638 (cited by Quest Diagnostics Nichols Institute San Juan Capistrano); PubMed 18096416 (cited by Quest Diagnostics Nichols Institute San Juan Capistrano); PubMed 18603555 (cited by Quest Diagnostics Nichols Institute San Juan Capistrano and Women's Health and Genetics/Laboratory Corporation of America, LabCorp); PubMed 8270260 (cited by 3 submitters); PubMed 1536956 (cited by 3 submitters); PubMed 26418075 (cited by Quest Diagnostics Nichols Institute San Juan Capistrano); PubMed 30205726 (cited by Quest Diagnostics Nichols Institute San Juan Capistrano); PubMed 1740317 (cited by Quest Diagnostics Nichols Institute San Juan Capistrano and Women's Health and Genetics/Laboratory Corporation of America, LabCorp); PubMed 1515649 (cited by 3 submitters); PubMed 34362515 (cited by Quest Diagnostics Nichols Institute San Juan Capistrano); PubMed 22734587 (cited by Quest Diagnostics Nichols Institute San Juan Capistrano); PubMed 25572186 (cited by Quest Diagnostics Nichols Institute San Juan Capistrano); PubMed 27351925 (cited by Quest Diagnostics Nichols Institute San Juan Capistrano); PubMed 20704537 (cited by Women's Health and Genetics/Laboratory Corporation of America, LabCorp).

NM_000518.5(HBB):c.*96T>C

Genes: HBB (hemoglobin subunit beta; minus strand), LOC107133510 (origin of replication at HBB; plus strand), LOC110006319 (beta-globin gene 3' regulatory region; plus strand). Cytogenetic location: 11p15.4.
Variant type: single nucleotide variant.
Coding change: c.*96T>C on transcript NM_000518.5 (MANE Select); 96 bases downstream of the stop codon, T replaced by C.
Molecular consequence: 3 prime UTR variant.
Genome position (GRCh38, 1-based): chr11:5,225,502, A>G on the plus strand (T>C on the coding strand, the complement: HBB is on the minus strand). VCF-style: chr11-5225502-A-G. GRCh37 (hg19) VCF-style: chr11-5246732-A-G.
Identifiers: ClinVar variation 36331 (VCV000036331.45), dbSNP rs34029390, ClinGen allele CA342875.
Genomic context (GRCh38, chr11:5,225,502, plus strand): 5'-CAGAAATAATTTAAATACATCATTGCAATGAAAATAAATGTTTTTTATTAGGCAGAATCC[A>G]GATGCTCAAGGCCCTTCATAATATCCCCCAGTTTAGTAGTTGGACTTAGGGAACAAAGGA-3'